The following is an entry in ClinVar:

ClinVar aggregate classification (germline): Uncertain significance. Review status: criteria provided, multiple submitters, no conflicts (2 of 4 stars). 2 submissions from 2 submitters: Uncertain significance (2). Last evaluated 2023-05-05.

Conditions:
Inborn genetic diseases. Identifiers: MedGen C0950123, MeSH D030342.
Developmental and epileptic encephalopathy, 53. Also called: Epileptic encephalopathy, early infantile, 53. Identifiers: MedGen C4479313, MONDO:0033362, OMIM 617389.
Early-onset Parkinson disease 20. Also called: PARKINSON DISEASE 20, AUTOSOMAL RECESSIVE EARLY-ONSET. Identifiers: Orphanet 391411, MedGen C3809824, MONDO:0014233, OMIM 615530.

Allele frequency attached by ClinVar (database versions not stated): gnomAD 0.00003; TOPMed 0.00005.
gnomAD v4.1: 5 of 1,613,746 alleles (0.00031%); highest among the groups gnomAD compares: Admixed American, 0.0083%; no homozygotes.

Submissions (2):

Ambry Genetics
Classification: Uncertain significance for Inborn genetic diseases. Last evaluated: 2023-05-05. Review status: criteria provided, single submitter. Criteria: Ambry Variant Classification Scheme 2023. Collection method: clinical testing. Allele origin: germline.

Labcorp Genetics (formerly Invitae), Labcorp
Classification: Uncertain significance for Developmental and epileptic encephalopathy, 53; Early-onset Parkinson disease 20. Last evaluated: 2022-04-17. Review status: criteria provided, single submitter. Criteria: Invitae Variant Classification Sherloc (09022015). Collection method: clinical testing. Allele origin: germline.
Comment: This sequence change replaces aspartic acid, which is acidic and polar, with glycine, which is neutral and non-polar, at codon 473 of the SYNJ1 protein (p.Asp473Gly). This variant is not present in population databases (gnomAD no frequency). This variant has not been reported in the literature in individuals affected with SYNJ1-related conditions. Algorithms developed to predict the effect of missense changes on protein structure and function are either unavailable or do not agree on the potential impact of this missense change (SIFT: "Tolerated"; PolyPhen-2: "Probably Damaging"; Align-GVGD: "Class C0"). In summary, the available evidence is currently insufficient to determine the role of this variant in disease. Therefore, it has been classified as a Variant of Uncertain Significance.

NM_203446.3(SYNJ1):c.1301A>G (p.Asp434Gly)

Gene: SYNJ1 (synaptojanin 1; minus strand). Cytogenetic location: 21q22.11.
Variant type: single nucleotide variant.
Coding change: c.1301A>G on transcript NM_203446.3 (MANE Select); coding-DNA position 1301, A replaced by G.
Protein change: p.Asp434Gly; replaces aspartic acid 434 with glycine.
Molecular consequence: missense variant.
Genome position (GRCh38, 1-based): chr21:32,681,548, T>C on the plus strand (A>G on the coding strand, the complement: SYNJ1 is on the minus strand). VCF-style: chr21-32681548-T-C. GRCh37 (hg19) VCF-style: chr21-34053858-T-C.
Other names: c.1301A>G, p.Asp434Gly (NM_001160302.2, NM_001160306.2); c.1418A>G, p.Asp473Gly (NM_003895.4); short protein forms D434G, D473G.
Identifiers: ClinVar variation 2062557 (VCV002062557.3), dbSNP rs1441734710, ClinGen allele CA410089898.
Genomic context (GRCh38, chr21:32,681,548, plus strand): 5'-AGATATACCTTCGCTTTCCCTTCAAGAGCTCCAGTTCCTGCATATATCTTACTGATTGAA[T>C]CACCATTCACGGACCACATTGACCGAAAAACTTCTTGAAAGCGAGTCACCAACTGAGGCT-3'
Protein context (NP_982271.3, residues 424-444): VFRSMWSVNG[Asp434Gly]SISKIYAGTG